The following is an entry in ClinVar:

NM_014633.5(CTR9):c.2516G>A (p.Arg839Gln)

Gene: CTR9 (CTR9 component of Paf1/RNA polymerase II complex; plus strand). Cytogenetic location: 11p15.4.
Variant type: single nucleotide variant.
Coding change: c.2516G>A on transcript NM_014633.5 (MANE Select); coding-DNA position 2516, G replaced by A.
Protein change: p.Arg839Gln; replaces arginine 839 with glutamine.
Molecular consequence: missense variant.
Genome position (GRCh38, 1-based): chr11:10,772,591, G>A. VCF-style: chr11-10772591-G-A. GRCh37 (hg19) VCF-style: chr11-10794138-G-A.
Other names: c.2444G>A, p.Arg815Gln (NM_001346279.2); short protein forms R839Q, R815Q.
Identifiers: ClinVar variation 966093 (VCV000966093.10), dbSNP rs756950246, ClinGen allele CA5885344.

ClinVar aggregate classification (germline): Uncertain significance. Review status: criteria provided, multiple submitters, no conflicts (2 of 4 stars). 2 submissions from 2 submitters: Uncertain significance (2). Last evaluated 2025-07-09.

Conditions:
CTR9-related disorder. Also called: CTR9-related condition.

Allele frequency attached by ClinVar (database versions not stated): ExAC 0.00003; gnomAD 0.00003 and 0.00004; gnomAD exomes 0.00004 and 0.00010; TOPMed 0.00005.

Submissions (2):

Labcorp Genetics (formerly Invitae), Labcorp
Classification: Uncertain significance. Last evaluated: 2025-07-09. Review status: criteria provided, single submitter. Criteria: Invitae Variant Classification Sherloc (09022015). Collection method: clinical testing. Allele origin: germline.
Comment: This sequence change replaces arginine, which is basic and polar, with glutamine, which is neutral and polar, at codon 839 of the CTR9 protein (p.Arg839Gln). This variant is present in population databases (rs756950246, gnomAD 0.007%). This variant has not been reported in the literature in individuals affected with CTR9-related conditions. ClinVar contains an entry for this variant (Variation ID: 966093). An algorithm developed to predict the effect of missense changes on protein structure and function (PolyPhen-2) suggests that this variant is likely to be tolerated. In summary, the available evidence is currently insufficient to determine the role of this variant in disease. Therefore, it has been classified as a Variant of Uncertain Significance.

PreventionGenetics, part of Exact Sciences
Classification: Uncertain significance for CTR9-related condition. Last evaluated: 2025-04-19. Review status: criteria provided, single submitter. Criteria: ACMG Guidelines, 2015. Collection method: clinical testing. Allele origin: germline.
Comment: The CTR9 c.2516G>A variant is predicted to result in the amino acid substitution p.Arg839Gln. To our knowledge, this variant has not been reported in the literature in affected individuals but has been detected in one control individual in a case-control study of Wilms tumor (Hanks et al. 2014. PubMed ID: 25099282). This variant is reported in 0.0070% of alleles in individuals of European (Non-Finnish) descent in gnomAD v2 (as displayed in the table above). However, in gnomAD v4 (available only on GRCh38), this variant is reported in 0.011% of alleles in that subpopulation and in 114 alleles globally. This population data is not consistent with this variant being a primary cause of disease. Although we suspect that this variant may be benign, the clinical significance of this variant is classified as uncertain at this time due to insufficient functional and genetic evidence.